The following is an entry in ClinVar:

ClinVar aggregate classification (germline): Uncertain significance. Review status: criteria provided, multiple submitters, no conflicts (2 of 4 stars). 5 submissions from 5 submitters: Uncertain significance (5). Last evaluated 2026-03-27.

Conditions:
Cardiovascular phenotype. Identifiers: MedGen CN230736.
Arrhythmogenic right ventricular dysplasia 12. Also called: ARRHYTHMOGENIC RIGHT VENTRICULAR DYSPLASIA, FAMILIAL, 12. Identifiers: MedGen C1969081, MONDO:0012684, OMIM 611528.
Naxos disease (NXD). Also called: KERATOSIS PALMOPLANTARIS WITH ARRHYTHMOGENIC CARDIOMYOPATHY; MAL DE NAXOS; PALMOPLANTAR KERATODERMA WITH ARRHYTHMOGENIC RIGHT VENTRICULAR CARDIOMYOPATHY AND WOOLLY HAIR; WOOLLY HAIR, PALMOPLANTAR KERATODERMA, AND CARDIAC ABNORMALITIES; CARDIOMYOPATHY, ARRHYTHMOGENIC RIGHT VENTRICULAR, WITH SKIN, HAIR, AND NAIL ABNORMALITIES. Identifiers: Orphanet 34217, MedGen C1832600, MONDO:0011017, OMIM 601214.

Submissions (5):

Molecular Diagnostic Laboratory for Inherited Cardiovascular Disease, Montreal Heart Institute
Classification: Uncertain significance for Cardiovascular phenotype. Last evaluated: 2026-03-27. Review status: criteria provided, single submitter. Criteria: ACMG Guidelines, 2015. Collection method: clinical testing. Allele origin: germline. Affected: yes.
Comment: PM2, PM4

Ambry Genetics
Classification: Uncertain significance for Cardiovascular phenotype. Last evaluated: 2025-07-22. Review status: criteria provided, single submitter. Criteria: Ambry Variant Classification Scheme 2023. Collection method: clinical testing. Allele origin: germline.
Comment: The c.514_516delAAG variant (also known as p.K172del) is located in coding exon 3 of the JUP gene. This variant results from an in-frame AAG deletion at nucleotide positions 514 to 516. This results in the in-frame deletion of a lysine at codon 172. This amino acid position is highly conserved in available vertebrate species. In addition, this variant is predicted to be deleterious by in silico analysis (Choi Y et al. PLoS ONE. 2012; 7(10):e46688). Based on the available evidence, the clinical significance of this variant remains unclear.

Labcorp Genetics (formerly Invitae), Labcorp
Classification: Uncertain significance for Arrhythmogenic right ventricular dysplasia 12; Naxos disease. Last evaluated: 2023-11-09. Review status: criteria provided, single submitter. Criteria: Invitae Variant Classification Sherloc (09022015). Collection method: clinical testing. Allele origin: germline.
Comment: This variant, c.514_516del, results in the deletion of 1 amino acid(s) of the JUP protein (p.Lys172del), but otherwise preserves the integrity of the reading frame. This variant is not present in population databases (gnomAD no frequency). This variant has not been reported in the literature in individuals affected with JUP-related conditions. ClinVar contains an entry for this variant (Variation ID: 1677729). Experimental studies and prediction algorithms are not available or were not evaluated, and the functional significance of this variant is currently unknown. In summary, the available evidence is currently insufficient to determine the role of this variant in disease. Therefore, it has been classified as a Variant of Uncertain Significance.

GeneDx
Classification: Uncertain significance. Last evaluated: 2022-11-29. Review status: criteria provided, single submitter. Criteria: GeneDx Variant Classification Process June 2021. Collection method: clinical testing. Allele origin: germline. Affected: yes.
Comment: Not observed at significant frequency in large population cohorts (gnomAD); In-frame deletion of 1 amino acid in a non-repeat region; In silico analysis supports a deleterious effect on protein structure/function; Has not been previously published as pathogenic or benign to our knowledge

AiLife Diagnostics
Classification: Uncertain significance. Last evaluated: 2021-12-27. Review status: criteria provided, single submitter. Criteria: ACMG Guidelines, 2015. Collection method: clinical testing. Allele origin: germline. Affected: yes. Observed: 1 variant allele.

NM_002230.4(JUP):c.511AAG[1] (p.Lys172del)

Gene: JUP (junction plakoglobin; minus strand). Cytogenetic location: 17q21.2.
Variant type: Microsatellite.
Coding change: c.511AAG[1] on transcript NM_002230.4 (MANE Select); one copy of the 3-base unit AAG starting at c.511; the reference has two copies in a row; one copy, 3 bases deleted; also written c.514_516del.
Protein change: p.Lys172del; deletes lysine 172.
Molecular consequence: inframe deletion.
Genome position (GRCh38, 1-based): chr17:41,769,160-41,769,162, CTT deleted on the plus strand (AAG on the coding strand, the reverse complement: JUP is on the minus strand); deleting any 3 consecutive bases within chr17:41,769,160-41,769,166 gives the same sequence; the position shown is the placement nearest the transcript's 3' end. VCF-style (leftmost placement, unchanged base first): chr17-41769159-CCTT-C. GRCh37 (hg19) VCF-style: chr17-39925411-CCTT-C.
Other names: c.511AAG[1], p.Lys172del (NM_001352773.2, NM_001352774.2, NM_001352775.2 and 3 more transcripts); c.514_516delAAG (NM_002230.2); c.514_516del (NM_002230.2, NM_002230.3); short protein forms K172del.
Identifiers: ClinVar variation 1677729 (VCV001677729.7), dbSNP rs2143684447, ClinGen allele CA2580613130.